The following is an entry in ClinVar:

ClinVar aggregate classification (germline): Conflicting classifications of pathogenicity. Review status: criteria provided, conflicting classifications (1 of 4 stars). 4 submissions from 4 submitters: Uncertain significance (2); Likely benign (1). 1 of the submissions does not count toward it. Last evaluated 2025-12-16.

Conditions:
Hajdu-Cheney syndrome (HJCYS). Also called: ACROOSTEOLYSIS WITH OSTEOPOROSIS AND CHANGES IN SKULL AND MANDIBLE; SERPENTINE FIBULA-POLYCYSTIC KIDNEY SYNDROME; Acroosteolysis dominant type. Identifiers: Orphanet 955, MedGen C0917715, MONDO:0007057, OMIM 102500.
Alagille syndrome due to a NOTCH2 point mutation. Also called: Alagille syndrome 2. Identifiers: Orphanet 261629, Orphanet 52, MedGen C1857761, MONDO:0012439, OMIM 610205.
NOTCH2-related disorder. Also called: NOTCH2-related condition.
Inborn genetic diseases. Identifiers: MedGen C0950123, MeSH D030342.

Allele frequency attached by ClinVar (database versions not stated): gnomAD exomes 0.00001; ExAC 0.00002; gnomAD 0.00005 and 0.00006; TOPMed 0.00006; ESP Exome Variant Server 0.00008.
gnomAD v4.1: 18 of 1,613,884 alleles (0.0011%); highest among the groups gnomAD compares: African/African-American, 0.021%; no homozygotes.

Submissions (4):

Labcorp Genetics (formerly Invitae), Labcorp
Classification: Uncertain significance for Hajdu-Cheney syndrome. Last evaluated: 2025-12-16. Review status: criteria provided, single submitter. Criteria: Invitae Variant Classification Sherloc (09022015). Collection method: clinical testing. Allele origin: germline.
Comment: This sequence change replaces phenylalanine, which is neutral and non-polar, with tyrosine, which is neutral and polar, at codon 294 of the NOTCH2 protein (p.Phe294Tyr). This variant is present in population databases (rs369664394, gnomAD 0.02%). This variant has not been reported in the literature in individuals affected with NOTCH2-related conditions. ClinVar contains an entry for this variant (Variation ID: 1485372). Invitae Evidence Modeling of protein sequence and biophysical properties (such as structural, functional, and spatial information, amino acid conservation, physicochemical variation, residue mobility, and thermodynamic stability) indicates that this missense variant is not expected to disrupt NOTCH2 protein function with a negative predictive value of 95%. In summary, the available evidence is currently insufficient to determine the role of this variant in disease. Therefore, it has been classified as a Variant of Uncertain Significance.

Ambry Genetics
Classification: Likely benign for Inborn genetic diseases. Last evaluated: 2025-05-19. Review status: criteria provided, single submitter. Criteria: Ambry Variant Classification Scheme 2023. Collection method: clinical testing. Allele origin: germline.

Fulgent Genetics
Classification: Uncertain significance for Hajdu-Cheney syndrome; Alagille syndrome due to a NOTCH2 point mutation. Last evaluated: 2024-04-02. Review status: criteria provided, single submitter. Criteria: ACMG Guidelines, 2015. Collection method: clinical testing. Allele origin: germline.

PreventionGenetics, part of Exact Sciences
Classification: Uncertain significance for NOTCH2-related condition. Last evaluated: 2024-07-19. Review status: no assertion criteria provided. Collection method: clinical testing. Allele origin: germline. Not counted in ClinVar's aggregate classification.
Comment: The NOTCH2 c.881T>A variant is predicted to result in the amino acid substitution p.Phe294Tyr. To our knowledge, this variant has not been reported in the literature. This variant is reported in 0.016% of alleles in individuals of African descent in gnomAD. Although we suspect that this variant may be benign, at this time, the clinical significance of this variant is uncertain due to the absence of conclusive functional and genetic evidence.

NM_024408.4(NOTCH2):c.881T>A (p.Phe294Tyr)

Gene: NOTCH2 (notch receptor 2; minus strand). Cytogenetic location: 1p12.
Variant type: single nucleotide variant.
Coding change: c.881T>A on transcript NM_024408.4 (MANE Select); coding-DNA position 881, T replaced by A.
Protein change: p.Phe294Tyr; replaces phenylalanine 294 with tyrosine.
Molecular consequence: missense variant.
Genome position (GRCh38, 1-based): chr1:119,969,738, A>T on the plus strand (T>A on the coding strand, the complement: NOTCH2 is on the minus strand). VCF-style: chr1-119969738-A-T. GRCh37 (hg19) VCF-style: chr1-120512361-A-T.
Other names: c.881T>A (NM_024408.3); c.881T>A, p.Phe294Tyr (NM_001200001.2); short protein forms F294Y.
Identifiers: ClinVar variation 1485372 (VCV001485372.12), dbSNP rs369664394, ClinGen allele CA1040652.